The following is an entry in ClinVar:

ClinVar aggregate classification (germline): Uncertain significance (1 of 4 stars; one submission).

Conditions:
Anophthalmia-microphthalmia syndrome. Also called: Anophthalmia - microphthalmia; Anophthalmia/Microphthalmia. Identifiers: Orphanet 98555, MedGen C5680330, MONDO:0020147.

Submission:

Labcorp Genetics (formerly Invitae), Labcorp
Classification: Uncertain significance for Anophthalmia-microphthalmia syndrome. Last evaluated: 2022-09-17. Review status: criteria provided, single submitter. Criteria: Invitae Variant Classification Sherloc (09022015). Collection method: clinical testing. Allele origin: germline.
Comment: In summary, the available evidence is currently insufficient to determine the role of this variant in disease. Therefore, it has been classified as a Variant of Uncertain Significance. Algorithms developed to predict the effect of missense changes on protein structure and function (SIFT, PolyPhen-2, Align-GVGD) all suggest that this variant is likely to be disruptive. This variant has not been reported in the literature in individuals affected with OTX2-related conditions. This variant is present in population databases (no rsID available, gnomAD 0.0009%). This sequence change replaces alanine, which is neutral and non-polar, with glutamic acid, which is acidic and polar, at codon 48 of the OTX2 protein (p.Ala48Glu).

NM_021728.4(OTX2):c.167C>A (p.Ala56Glu)

Gene: OTX2 (orthodenticle homeobox 2; minus strand). Cytogenetic location: 14q22.3.
Variant type: single nucleotide variant.
Coding change: c.167C>A on transcript NM_021728.4 (MANE Select); coding-DNA position 167, C replaced by A.
Protein change: p.Ala56Glu; replaces alanine 56 with glutamic acid.
Molecular consequence: missense variant.
Genome position (GRCh38, 1-based): chr14:56,804,294, G>T on the plus strand (C>A on the coding strand, the complement: OTX2 is on the minus strand). VCF-style: chr14-56804294-G-T. GRCh37 (hg19) VCF-style: chr14-57271012-G-T.
Other names: c.143C>A, p.Ala48Glu (NM_001270523.2, NM_001270524.2, NM_172337.3); c.167C>A, p.Ala56Glu (NM_001270525.2); short protein forms A48E, A56E.
Identifiers: ClinVar variation 1913972 (VCV001913972.5), dbSNP rs1229104622, ClinGen allele CA390052469.